The following is an entry in ClinVar:

ClinVar aggregate classification (germline): Likely benign (1 of 4 stars; one submission).

Conditions:
NSD1-related disorder. Also called: NSD1-related condition.

Submission:

PreventionGenetics, part of Exact Sciences
Classification: Likely benign for NSD1-related condition. Last evaluated: 2026-01-02. Review status: criteria provided, single submitter. Criteria: ACMG Guidelines, 2015. Collection method: clinical testing. Allele origin: germline.
Comment: This variant is classified as likely benign based on ACMG/AMP sequence variant interpretation guidelines (Richards et al. 2015 PMID: 25741868, with internal and published modifications).

NM_022455.5(NSD1):c.5622+7A>G

Gene: NSD1 (nuclear receptor binding SET domain protein 1; plus strand). Cytogenetic location: 5q35.3.
Variant type: single nucleotide variant.
Coding change: c.5622+7A>G on transcript NM_022455.5 (MANE Select); 7 bases into the intron after coding-DNA position 5622, A replaced by G.
Molecular consequence: intron variant.
Genome position (GRCh38, 1-based): chr5:177,273,791, A>G. VCF-style: chr5-177273791-A-G. GRCh37 (hg19) VCF-style: chr5-176700792-A-G.
Other names: c.5622+7A>G (NM_001409301.1, NM_001409302.1, NM_001409303.1); c.5202+7A>G (NM_001409304.1); c.4869+7A>G (NM_001409305.1); c.4860+7A>G (NM_001409306.1, NM_001409307.1); c.4749+7A>G (NM_001409308.1, NM_172349.5, NM_001409309.1 and 1 more transcripts).
Identifiers: ClinVar variation 4993508 (VCV004993508.1).